The following is an entry in ClinVar:

NM_000246.4(CIITA):c.1856A>G (p.Gln619Arg)

Gene: CIITA (class II major histocompatibility complex transactivator; plus strand). Cytogenetic location: 16p13.13.
Variant type: single nucleotide variant.
Coding change: c.1856A>G on transcript NM_000246.4 (MANE Select); coding-DNA position 1856, A replaced by G.
Protein change: p.Gln619Arg; replaces glutamine 619 with arginine.
Molecular consequence: missense variant. On other transcripts: intron variant (1).
Genome position (GRCh38, 1-based): chr16:10,907,348, A>G. VCF-style: chr16-10907348-A-G. GRCh37 (hg19) VCF-style: chr16-11001205-A-G.
Other names: c.1859A>G, p.Gln620Arg (NM_001286402.1, NM_001379332.1); c.1712A>G, p.Gln571Arg (NM_001379330.1); c.1709A>G, p.Gln570Arg (NM_001379331.1); c.1856A>G, p.Gln619Arg (NM_001379333.1); c.1787A>G, p.Gln596Arg (NM_001379334.1); c.860-1635A>G (NM_001286403.2); short protein forms Q619R, Q620R, Q570R, Q571R, Q596R.
Identifiers: ClinVar variation 567583 (VCV000567583.6), dbSNP rs371603520, ClinGen allele CA7900232.

ClinVar aggregate classification (germline): Uncertain significance. Review status: criteria provided, single submitter (1 of 4 stars). 2 submissions from 2 submitters: Uncertain significance (1). 1 of the submissions does not count toward it. Last evaluated 2026-02-02.

Conditions:
MHC class II deficiency. Also called: Bare lymphocyte syndrome 2; BLS, TYPE II. Identifiers: Orphanet 572, MedGen C5447452, MONDO:0008855.

Allele frequency attached by ClinVar (database versions not stated): gnomAD 0.00001 and 0.00007; 1000 Genomes Project 0.00100; gnomAD exomes 0.00002 and 0.00006; TOPMed 0.00002; ExAC 0.00006; 1000 Genomes Project 30x 0.00094.
gnomAD v4.1: 44 of 1,613,506 alleles (0.0027%); highest among the groups gnomAD compares: East Asian, 0.027%; no homozygotes.

Submissions (2):

Labcorp Genetics (formerly Invitae), Labcorp
Classification: Uncertain significance for MHC class II deficiency. Last evaluated: 2026-02-02. Review status: criteria provided, single submitter. Criteria: Invitae Variant Classification Sherloc (09022015). Collection method: clinical testing. Allele origin: germline.
Comment: This sequence change replaces glutamine, which is neutral and polar, with arginine, which is basic and polar, at codon 619 of the CIITA protein (p.Gln619Arg). This variant is present in population databases (rs371603520, gnomAD 0.03%). This variant has not been reported in the literature in individuals affected with CIITA-related conditions. ClinVar contains an entry for this variant (Variation ID: 567583). An algorithm developed to predict the effect of missense changes on protein structure and function outputs the following: PolyPhen-2: "Benign". The arginine amino acid residue is found in multiple mammalian species, which suggests that this missense change does not adversely affect protein function. In summary, the available evidence is currently insufficient to determine the role of this variant in disease. Therefore, it has been classified as a Variant of Uncertain Significance.

Natera, Inc.
Classification: Uncertain significance for Bare lymphocyte syndrome type II. Last evaluated: 2020-04-24. Review status: no assertion criteria provided. Collection method: clinical testing. Allele origin: germline. Not counted in ClinVar's aggregate classification.